The following is an entry in ClinVar:

ClinVar aggregate classification (germline): Benign/Likely benign. Review status: criteria provided, multiple submitters, no conflicts (2 of 4 stars). 7 submissions from 7 submitters: Benign (3); Likely benign (3). 1 of the submissions does not count toward it. Last evaluated 2026-02-01.

Conditions:
SOS2-related disorder. Also called: SOS2-related condition.
Noonan syndrome and Noonan-related syndrome. Identifiers: Orphanet 98733, MedGen C5681679, MONDO:0020297.
Noonan syndrome 9 (NS9). Identifiers: Orphanet 648, MedGen C4225282, MONDO:0014691, OMIM 616559.

Submissions (7):

Labcorp Genetics (formerly Invitae), Labcorp
Classification: Likely benign for Noonan syndrome 9. Last evaluated: 2026-02-01. Review status: criteria provided, single submitter. Criteria: Invitae Variant Classification Sherloc (09022015). Collection method: clinical testing. Allele origin: germline.

Mayo Clinic Laboratories, Mayo Clinic
Classification: Likely benign. Last evaluated: 2025-11-23. Review status: criteria provided, single submitter. Criteria: ACMG Guidelines, 2015. Collection method: clinical testing. Allele origin: germline. Observed: 3 variant alleles.
Comment: BS1, BP4, BP7

Blueprint Genetics
Classification: Likely benign. Last evaluated: 2024-11-23. Review status: criteria provided, single submitter. Criteria: ACMG Guidelines, 2015. Collection method: clinical testing. Allele origin: germline.

CeGaT Center for Human Genetics Tuebingen
Classification: Benign. Last evaluated: 2022-03-01. Review status: criteria provided, single submitter. Criteria: CeGaT Center For Human Genetics Tuebingen Variant Classification Criteria Version 2. Collection method: clinical testing. Allele origin: germline. Affected: yes. Observed: 1 variant allele.
Comment: SOS2: BS1, BS2

Genome Diagnostics Laboratory, The Hospital for Sick Children
Classification: Benign for Noonan syndrome and Noonan-related syndrome. Last evaluated: 2021-06-16. Review status: criteria provided, single submitter. Criteria: ACMG Guidelines, 2015. Collection method: clinical testing. Allele origin: germline.

Genome-Nilou Lab
Classification: Benign for Noonan syndrome 9. Review status: criteria provided, single submitter. Criteria: ACMG Guidelines, 2015. Collection method: clinical testing. Allele origin: germline.

PreventionGenetics, part of Exact Sciences
Classification: Benign for SOS2-related condition. Last evaluated: 2019-09-25. Review status: no assertion criteria provided. Collection method: clinical testing. Allele origin: germline. Not counted in ClinVar's aggregate classification.
Comment: This variant is classified as benign based on ACMG/AMP sequence variant interpretation guidelines (Richards et al. 2015 PMID: 25741868, with internal and published modifications).

NM_006939.4(SOS2):c.2786-18_2786-17dup

Gene: SOS2 (SOS Ras/Rho guanine nucleotide exchange factor 2; minus strand). Cytogenetic location: 14q21.3.
Variant type: Duplication.
Coding change: c.2786-18_2786-17dup on transcript NM_006939.4 (MANE Select); 18 bases into the intron before coding-DNA position 2786 through 17 bases into the intron before coding-DNA position 2786, 2 bases duplicated (TT; older notation c.2786-18_2786-17dupTT).
Molecular consequence: intron variant.
Genome position (GRCh38, 1-based): chr14:50,138,790-50,138,791, AA duplicated on the plus strand (TT on the coding strand, the reverse complement: SOS2 is on the minus strand); duplicating any 2 consecutive bases within chr14:50,138,790-50,138,802 gives the same sequence; the c. name uses the placement nearest the transcript's 3' end. VCF-style (leftmost placement, unchanged base first): chr14-50138789-T-TAA. GRCh37 (hg19) VCF-style: chr14-50605507-T-TAA.
Other names: p.?; c.2786-7_2786-6dup (NM_006939.4).
Identifiers: ClinVar variation 1110478 (VCV001110478.47), dbSNP rs201957103, ClinGen allele CA7176937.